The following is an entry in ClinVar:

NM_172351.3(CD46):c.861G>A (p.Ser287=)

Gene: CD46 (CD46 molecule; plus strand). Cytogenetic location: 1q32.2.
Variant type: single nucleotide variant.
Coding change: c.861G>A on transcript NM_172351.3 (MANE Select); coding-DNA position 861, G replaced by A.
Protein change: p.Ser287=; no amino-acid change (serine 287 retained).
Molecular consequence: synonymous variant. On other transcripts: intron variant (5).
Genome position (GRCh38, 1-based): chr1:207,767,783, G>A. VCF-style: chr1-207767783-G-A. GRCh37 (hg19) VCF-style: chr1-207941128-G-A.
Other names: p.Ser302=; c.906G>A, p.Ser302= (NM_002389.4, NM_172359.3); c.861G>A, p.Ser287= (NM_153826.4, NM_172355.3, NM_172356.3 and 1 more transcripts); c.856+588G>A (NM_172352.3, NM_172353.3, NM_172350.3 and 2 more transcripts).
Identifiers: ClinVar variation 791828 (VCV000791828.25), dbSNP rs17006843, ClinGen allele CA1371793.

ClinVar aggregate classification (germline): Benign/Likely benign. Review status: criteria provided, multiple submitters, no conflicts (2 of 4 stars). 8 submissions from 8 submitters: Benign (2); Likely benign (4). 2 of the submissions do not count toward it. Last evaluated 2026-01-24.

Conditions:
Kidney disorder. Also called: renal disorder; Nephropathy; Kidney disease; Kidney Diseases; renal disease. Identifiers: MedGen C0022658, MONDO:0005240, HP:0000112.
Atypical hemolytic-uremic syndrome with MCP/CD46 anomaly. Also called: HEMOLYTIC UREMIC SYNDROME, ATYPICAL, SUSCEPTIBILITY TO, 2; AHUS, SUSCEPTIBILITY TO, 2. Identifiers: Orphanet 2134, MedGen C2752040, MONDO:0013040, OMIM 612922.

Allele frequency attached by ClinVar (database versions not stated): gnomAD exomes 0.00032 and 0.00092; ExAC 0.00123; gnomAD 0.00345 and 0.00368; 1000 Genomes Project 30x 0.00375; TOPMed 0.00395; ESP Exome Variant Server 0.00423; 1000 Genomes Project 0.00439.
gnomAD v4.1: 1,026 of 1,612,580 alleles (0.064%); highest among the groups gnomAD compares: African/African-American, 1.2%; 6 homozygotes.

Submissions (8):

Labcorp Genetics (formerly Invitae), Labcorp
Classification: Benign. Last evaluated: 2026-01-24. Review status: criteria provided, single submitter. Criteria: Invitae Variant Classification Sherloc (09022015). Collection method: clinical testing. Allele origin: germline.

Mayo Clinic Laboratories, Mayo Clinic
Classification: Likely benign. Last evaluated: 2025-09-23. Review status: criteria provided, single submitter. Criteria: ACMG Guidelines, 2015. Collection method: clinical testing. Allele origin: germline. Observed: 16 variant alleles.
Comment: BS1, BP4, BP7

Blueprint Genetics
Classification: Likely benign. Last evaluated: 2024-11-12. Review status: criteria provided, single submitter. Criteria: ACMG Guidelines, 2015. Collection method: clinical testing. Allele origin: germline.

Genome Diagnostics Laboratory, The Hospital for Sick Children
Classification: Likely benign for Kidney disorder. Last evaluated: 2020-01-01. Review status: criteria provided, single submitter. Criteria: ACMG Guidelines, 2015. Collection method: clinical testing. Allele origin: germline.

Genetic Services Laboratory, University of Chicago
Classification: Benign. Last evaluated: 2019-03-26. Review status: criteria provided, single submitter. Criteria: ACMG Guidelines, 2015. Collection method: clinical testing. Allele origin: germline. Affected: no.

Illumina Laboratory Services, Illumina
Classification: Likely benign for Atypical hemolytic-uremic syndrome with MCP/CD46 anomaly. Last evaluated: 2018-01-13. Review status: criteria provided, single submitter. Criteria: ICSL Variant Classification Criteria 13 December 2019. Collection method: clinical testing. Allele origin: germline.
Comment: This variant was observed in the ICSL laboratory as part of a predisposition screen in an ostensibly healthy population. It had not been previously curated by ICSL or reported in the Human Gene Mutation Database (HGMD: prior to June 1st, 2018), and was therefore a candidate for classification through an automated scoring system. Utilizing variant allele frequency, disease prevalence and penetrance estimates, and inheritance mode, an automated score was calculated to assess if this variant is too frequent to cause the disease. Based on the score and internal cut-off values, a variant classified as likely benign is not then subjected to further curation. The score for this variant resulted in a classification of likely benign for this disease.

Clinical Genetics DNA and cytogenetics Diagnostics Lab, Erasmus MC, Erasmus Medical Center
Classification: Benign. Review status: no assertion criteria provided. Collection method: clinical testing. Allele origin: germline. Affected: yes. Study: VKGL Data-share Consensus. Not counted in ClinVar's aggregate classification.

Joint Genome Diagnostic Labs from Nijmegen and Maastricht, Radboudumc and MUMC+
Classification: Benign. Review status: no assertion criteria provided. Collection method: clinical testing. Allele origin: germline. Affected: yes. Study: VKGL Data-share Consensus. Not counted in ClinVar's aggregate classification.